The following is an entry in ClinVar:

NM_133433.4(NIPBL):c.3445C>T (p.Arg1149Ter)

Gene: NIPBL (NIPBL cohesin loading factor; plus strand). Cytogenetic location: 5p13.2.
Variant type: single nucleotide variant.
Coding change: c.3445C>T on transcript NM_133433.4 (MANE Select); coding-DNA position 3445, C replaced by T.
Protein change: p.Arg1149Ter; replaces arginine 1149 with a stop codon.
Molecular consequence: nonsense.
Genome position (GRCh38, 1-based): chr5:37,000,513, C>T. VCF-style: chr5-37000513-C-T. GRCh37 (hg19) VCF-style: chr5-37000615-C-T.
Other names: c.3445C>T, p.Arg1149Ter (NM_015384.5); short protein forms R1149*.
Identifiers: ClinVar variation 99926 (VCV000099926.52), dbSNP rs80358374, ClinGen allele CA267527.
Genomic context (GRCh38, chr5:37,000,513, plus strand): 5'-AGGAGAAGTGGCCACTCTCATGAAGGAAGAAGGAGTTCAGGTGGTGGTCGTTATCGAAAC[C>T]GAAGTCCGTCAGATTCTGACATGGAAGATTATTCTCCTCCTCCCAGCCTTAGTGAGGGTA-3'

ClinVar aggregate classification (germline): Pathogenic. Review status: criteria provided, multiple submitters, no conflicts (2 of 4 stars). 4 submissions from 4 submitters: Pathogenic (4). Last evaluated 2022-03-06.

Conditions:
Cornelia de Lange syndrome 1 (CDLS1). Also called: TYPUS DEGENERATIVUS AMSTELODAMENSIS; Brachmann de Lange syndrome; NIPBL-Related Cornelia de Lange Syndrome. Identifiers: Orphanet 199, MedGen C4551851, MONDO:0007387, OMIM 122470.

Submissions (4):

Labcorp Genetics (formerly Invitae), Labcorp
Classification: Pathogenic for Cornelia de Lange syndrome 1. Last evaluated: 2022-03-06. Review status: criteria provided, single submitter. Criteria: Invitae Variant Classification Sherloc (09022015). Collection method: clinical testing. Allele origin: germline.
Comment: ClinVar contains an entry for this variant (Variation ID: 99926). This sequence change creates a premature translational stop signal (p.Arg1149*) in the NIPBL gene. It is expected to result in an absent or disrupted protein product. Loss-of-function variants in NIPBL are known to be pathogenic (PMID: 15318302, 19763162, 23505322, 29995837). This variant is not present in population databases (gnomAD no frequency). This premature translational stop signal has been observed in individual(s) with Cornelia de Lange syndrome (PMID: 23304577, 26701315). For these reasons, this variant has been classified as Pathogenic.

Genome-Nilou Lab
Classification: Pathogenic for Cornelia de Lange syndrome 1. Last evaluated: 2021-07-15. Review status: criteria provided, single submitter. Criteria: ACMG Guidelines, 2015. Collection method: clinical testing. Allele origin: germline. Affected: no.

CeGaT Center for Human Genetics Tuebingen
Classification: Pathogenic. Last evaluated: 2018-09-01. Review status: criteria provided, single submitter. Criteria: CeGaT Center For Human Genetics Tuebingen Variant Classification Criteria Version 2. Collection method: clinical testing. Allele origin: germline. Affected: yes. Observed: 1 variant allele.

Genetic Services Laboratory, University of Chicago
Classification: Pathogenic for Cornelia de Lange syndrome 1. Last evaluated: 2013-02-08. Review status: criteria provided, single submitter. Criteria: ACMG Guidelines, 2007. Collection method: clinical testing. Allele origin: germline. Inheritance: Autosomal dominant inheritance. Affected: yes.

Literature cited by the submitters: PubMed 15318302 (cited by Labcorp Genetics (formerly Invitae), Labcorp); PubMed 19763162 (cited by Labcorp Genetics (formerly Invitae), Labcorp); PubMed 23505322 (cited by Labcorp Genetics (formerly Invitae), Labcorp); PubMed 29995837 (cited by Labcorp Genetics (formerly Invitae), Labcorp); PubMed 23304577 (cited by Labcorp Genetics (formerly Invitae), Labcorp); PubMed 26701315 (cited by Labcorp Genetics (formerly Invitae), Labcorp).